The following is an entry in ClinVar:

NM_004366.6(CLCN2):c.2237A>C (p.Lys746Thr)

Gene: CLCN2 (chloride voltage-gated channel 2; minus strand). Cytogenetic location: 3q27.1.
Variant type: single nucleotide variant.
Coding change: c.2237A>C on transcript NM_004366.6 (MANE Select); coding-DNA position 2237, A replaced by C.
Protein change: p.Lys746Thr; replaces lysine 746 with threonine.
Molecular consequence: missense variant.
Genome position (GRCh38, 1-based): chr3:184,352,477, T>G on the plus strand (A>C on the coding strand, the complement: CLCN2 is on the minus strand). VCF-style: chr3-184352477-T-G. GRCh37 (hg19) VCF-style: chr3-184070265-T-G.
Other names: c.2186A>C, p.Lys729Thr (NM_001171087.3); c.2105A>C, p.Lys702Thr (NM_001171088.3); c.2237A>C, p.Lys746Thr (NM_001171089.3); short protein forms K702T, K729T, K746T.
Identifiers: ClinVar variation 4531011 (VCV004531011.1).

ClinVar aggregate classification (germline): Uncertain significance (1 of 4 stars; one submission).

Submission:

GeneDx
Classification: Uncertain significance. Last evaluated: 2025-05-22. Review status: criteria provided, single submitter. Criteria: GeneDx Variant Classification Process June 2021. Collection method: clinical testing. Allele origin: germline. Affected: yes.
Comment: Not observed at significant frequency in large population cohorts (gnomAD); In silico analysis suggests that this missense variant does not alter protein structure/function; Has not been previously published as pathogenic or benign to our knowledge